The following is an entry in ClinVar:

NM_001103.4(ACTN2):c.2240C>T (p.Ala747Val)

Gene: ACTN2 (actinin alpha 2; plus strand). Cytogenetic location: 1q43.
Variant type: single nucleotide variant.
Coding change: c.2240C>T on transcript NM_001103.4 (MANE Select); coding-DNA position 2240, C replaced by T.
Protein change: p.Ala747Val; replaces alanine 747 with valine.
Molecular consequence: missense variant.
Genome position (GRCh38, 1-based): chr1:236,757,571, C>T. VCF-style: chr1-236757571-C-T. GRCh37 (hg19) VCF-style: chr1-236920871-C-T.
Other names: c.2240C>T (NM_001103.2); c.2240C>T, p.Ala747Val (NM_001278343.2); c.1616C>T, p.Ala539Val (NM_001278344.2); short protein forms A747V, A539V.
Identifiers: ClinVar variation 412279 (VCV000412279.18), dbSNP rs1060503686, ClinGen allele CA16610065.

ClinVar aggregate classification (germline): Uncertain significance. Review status: criteria provided, multiple submitters, no conflicts (2 of 4 stars). 4 submissions from 4 submitters: Uncertain significance (4). Last evaluated 2024-06-08.

Conditions:
Myopathy, distal, 6, adult-onset, autosomal dominant. Identifiers: MedGen C5203349, MONDO:0032853, OMIM 618655.
Dilated cardiomyopathy 1AA (CMD1AA). Also called: CARDIOMYOPATHY, DILATED, 1AA, WITH OR WITHOUT LEFT VENTRICULAR NONCOMPACTION; CARDIOMYOPATHY, FAMILIAL HYPERTROPHIC, 23, WITH OR WITHOUT LEFT VENTRICULAR NONCOMPACTION; Cardiomyopathy, dilated, 1AA, with or without LVNC. Identifiers: Orphanet 154, MedGen C2677338, MONDO:0012808, OMIM 612158.
Primary familial hypertrophic cardiomyopathy (HCM). Identifiers: Orphanet 99739, MedGen C0949658, MeSH D024741, MONDO:0024573. Inheritance: Various modes of inheritance.
Cardiovascular phenotype. Identifiers: MedGen CN230736.

Allele frequency attached by ClinVar (database versions not stated): gnomAD exomes below 0.00001; TOPMed 0.00001.

Submissions (4):

Labcorp Genetics (formerly Invitae), Labcorp
Classification: Uncertain significance for Primary familial hypertrophic cardiomyopathy; Dilated cardiomyopathy 1AA. Last evaluated: 2024-06-08. Review status: criteria provided, single submitter. Criteria: Invitae Variant Classification Sherloc (09022015). Collection method: clinical testing. Allele origin: germline.
Comment: This sequence change replaces alanine, which is neutral and non-polar, with valine, which is neutral and non-polar, at codon 747 of the ACTN2 protein (p.Ala747Val). This variant is not present in population databases (gnomAD no frequency). This variant has not been reported in the literature in individuals affected with ACTN2-related conditions. ClinVar contains an entry for this variant (Variation ID: 412279). Advanced modeling of protein sequence and biophysical properties (such as structural, functional, and spatial information, amino acid conservation, physicochemical variation, residue mobility, and thermodynamic stability) performed at Invitae indicates that this missense variant is not expected to disrupt ACTN2 protein function with a negative predictive value of 95%. In summary, the available evidence is currently insufficient to determine the role of this variant in disease. Therefore, it has been classified as a Variant of Uncertain Significance.

Ambry Genetics
Classification: Uncertain significance for Cardiovascular phenotype. Last evaluated: 2023-04-04. Review status: criteria provided, single submitter. Criteria: Ambry Variant Classification Scheme 2023. Collection method: clinical testing. Allele origin: germline.
Comment: The p.A747V variant (also known as c.2240C>T), located in coding exon 18 of the ACTN2 gene, results from a C to T substitution at nucleotide position 2240. The alanine at codon 747 is replaced by valine, an amino acid with similar properties. This amino acid position is highly conserved in available vertebrate species. In addition, the in silico prediction for this alteration is inconclusive. Since supporting evidence is limited at this time, the clinical significance of this alteration remains unclear.

MGZ Medical Genetics Center
Classification: Uncertain significance for Myopathy, distal, 6, adult-onset, autosomal dominant. Last evaluated: 2022-06-21. Review status: criteria provided, single submitter. Criteria: ACMG Guidelines, 2015. Collection method: clinical testing. Allele origin: germline. Affected: yes. Observed: 1 variant allele.
Comment: ACMG criteria applied: PM2_SUP

Victorian Clinical Genetics Services, Murdoch Childrens Research Institute
Classification: Uncertain significance for Dilated cardiomyopathy 1AA. Last evaluated: 2022-02-02. Review status: criteria provided, single submitter. Criteria: ACMG Guidelines, 2015. Collection method: clinical testing. Allele origin: germline. Inheritance: Autosomal dominant inheritance. Affected: yes.
Comment: Based on the classification scheme VCGS_Germline_v1.3.4, this variant is classified as VUS-3B. Following criteria are met: 0102 - Loss of function is a known mechanism of disease in this gene and is associated with ACTN2-related disease (OMIM). A loss of function mechanism has been described for several missense variants, however dominant negative is also strongly suspected (PMID: 27287556, Lindholm, ME. et al. (2020)). (I) 0107 - This gene is associated with autosomal dominant disease. (I) 0200 - Variant is predicted to result in a missense amino acid change from alanine to valine. (I) 0251 - This variant is heterozygous. (I) 0301 - Variant is absent from gnomAD (both v2 and v3). (SP) 0502 - Missense variant with conflicting in silico predictions and uninformative conservation. (I) 0604 - Variant is not located in an established domain, motif, hotspot or informative constraint region. (I) 0705 - No comparable missense variants have previous evidence for pathogenicity. (I) 0809 - Previous evidence of pathogenicity for this variant is inconclusive. This variant has been reported as a VUS in a HCM patient who also had a pathogenic TNNT2 gene variant (Invitae personal communication). (I) 0905 - No published segregation evidence has been identified for this variant. (I) 1007 - No published functional evidence has been identified for this variant. (I) 1208 - Inheritance information for this variant is not currently available in this individual. (I) Legend: (SP) - Supporting pathogenic, (I) - Information, (SB) - Supporting benign

Literature cited by the submitters: PubMed 27287556 (cited by Victorian Clinical Genetics Services, Murdoch Childrens Research Institute).